The following is an entry in ClinVar:

NM_001374828.1(ARID1B):c.4281dup (p.Ser1428fs)

Gene: ARID1B (AT-rich interaction domain 1B; plus strand). Cytogenetic location: 6q25.3.
Variant type: Duplication.
Coding change: c.4281dup on transcript NM_001374828.1 (MANE Select); coding-DNA position 4281, one base duplicated (C; older notation c.4281dupC).
Protein change: p.Ser1428fs; shifts the reading frame from serine 1428.
Molecular consequence: frameshift variant.
Genome position (GRCh38, 1-based): chr6:157,196,214, C duplicated. VCF-style (leftmost placement, unchanged base first): chr6-157196213-G-GC. GRCh37 (hg19) VCF-style: chr6-157517347-G-GC.
Other names: c.1782dup, p.Ser595fs (NM_001363725.2); c.4161dup, p.Ser1388fs (NM_001371656.1, NM_001374820.1); c.4410dup, p.Ser1471fs (NM_001438482.1); c.4323dup, p.Ser1442fs (NM_001438483.1); c.4191dup, p.Ser1398fs (NM_001438485.1); c.4164dup, p.Ser1389fs (NM_001438486.1); c.4101dup, p.Ser1368fs (NM_001438487.1); c.1623dup, p.Ser542fs (NM_001438488.1); and 2 more; short protein forms S1368fs, S1375fs, S1388fs, S1389fs, S1398fs, S1428fs, S1442fs, S1471fs.
Identifiers: ClinVar variation 4279699 (VCV004279699.1).
Genomic context (GRCh38, chr6:157,196,213, plus strand): 5'-AAAATATTGCAGTGCCTGGAAGCAGCGAGCCCTTTATGACGCAAGGACAGATGCCCAACA[G>GC]CAGCATGCAGGACATGTACAACCAAAGTCCCTCCGGAGCAATGTCTAACCTGGGCATGGG-3'

ClinVar aggregate classification (germline): Pathogenic (1 of 4 stars; one submission).

Conditions:
Coffin-Siris syndrome 1 (CSS1). Also called: ARID1B-Related Coffin-Siris Syndrome; Mental retardation, autosomal dominant 12. Identifiers: Orphanet 1465, MedGen C3281201, MONDO:0007617, OMIM 135900. Disease mechanism: gain of function.

Submission:

Daryl Scott Lab, Baylor College of Medicine
Classification: Pathogenic for Coffin-Siris syndrome 1. Last evaluated: 2025-08-25. Review status: criteria provided, single submitter. Criteria: ACMG Guidelines, 2015. Collection method: clinical testing. Allele origin: de novo. Affected: yes. Observed: 1 heterozygote.
Comment: PVS1, PS2, PM2